The following is an entry in ClinVar:

NM_001360.3(DHCR7):c.658A>G (p.Met220Val)

Gene: DHCR7 (7-dehydrocholesterol reductase; minus strand). Cytogenetic location: 11q13.4.
Variant type: single nucleotide variant.
Coding change: c.658A>G on transcript NM_001360.3 (MANE Select); coding-DNA position 658, A replaced by G.
Protein change: p.Met220Val; replaces methionine 220 with valine.
Molecular consequence: missense variant.
Genome position (GRCh38, 1-based): chr11:71,439,052, T>C on the plus strand (A>G on the coding strand, the complement: DHCR7 is on the minus strand). VCF-style: chr11-71439052-T-C. GRCh37 (hg19) VCF-style: chr11-71150098-T-C.
Other names: c.658A>G, p.Met220Val (NM_001163817.2); short protein forms M220V.
Identifiers: ClinVar variation 2160425 (VCV002160425.2), dbSNP rs200659923, ClinGen allele CA6162497.

ClinVar aggregate classification (germline): Uncertain significance. Review status: criteria provided, multiple submitters, no conflicts (2 of 4 stars). 2 submissions from 2 submitters: Uncertain significance (2). Last evaluated 2024-03-29.

Conditions:
Inborn genetic diseases. Identifiers: MedGen C0950123, MeSH D030342.
Smith-Lemli-Opitz syndrome (SLOS). Also called: POLYDACTYLY, SEX REVERSAL, RENAL HYPOPLASIA, AND UNILOBAR LUNG; RSH SYNDROME; RUTLEDGE LETHAL MULTIPLE CONGENITAL ANOMALY SYNDROME; LETHAL ACRODYSGENITAL SYNDROME; 7-Dehydrocholesterol reductase deficiency. Identifiers: Orphanet 818, MedGen C0175694, MONDO:0010035, OMIM 270400.

gnomAD v4.1: 4 of 1,614,064 alleles (0.00025%); highest among the groups gnomAD compares: East Asian, 0.0067%; no homozygotes.

Submissions (2):

Ambry Genetics
Classification: Uncertain significance for Inborn genetic diseases. Last evaluated: 2024-03-29. Review status: criteria provided, single submitter. Criteria: Ambry Variant Classification Scheme 2023. Collection method: clinical testing. Allele origin: germline.

Labcorp Genetics (formerly Invitae), Labcorp
Classification: Uncertain significance for Smith-Lemli-Opitz syndrome. Last evaluated: 2022-05-24. Review status: criteria provided, single submitter. Criteria: Invitae Variant Classification Sherloc (09022015). Collection method: clinical testing. Allele origin: germline.
Comment: This sequence change replaces methionine, which is neutral and non-polar, with valine, which is neutral and non-polar, at codon 220 of the DHCR7 protein (p.Met220Val). This variant is present in population databases (rs200659923, gnomAD 0.02%). This variant has not been reported in the literature in individuals affected with DHCR7-related conditions. Advanced modeling of protein sequence and biophysical properties (such as structural, functional, and spatial information, amino acid conservation, physicochemical variation, residue mobility, and thermodynamic stability) performed at Invitae indicates that this missense variant is expected to disrupt DHCR7 protein function. In summary, the available evidence is currently insufficient to determine the role of this variant in disease. Therefore, it has been classified as a Variant of Uncertain Significance.